The following is an entry in ClinVar:

ClinVar aggregate classification (germline): Uncertain significance. Review status: criteria provided, multiple submitters, no conflicts (2 of 4 stars). 2 submissions from 2 submitters: Uncertain significance (2). Last evaluated 2024-05-14.

Conditions:
Inborn genetic diseases. Identifiers: MedGen C0950123, MeSH D030342.
Primary ciliary dyskinesia 32. Also called: CILIARY DYSKINESIA, PRIMARY, 32, WITHOUT SITUS INVERSUS. Identifiers: Orphanet 244, MedGen C4225311, MONDO:0014657, OMIM 616481.

Allele frequency attached by ClinVar (database versions not stated): TOPMed below 0.00001; gnomAD 0.00001; gnomAD exomes 0.00003; ExAC 0.00007; 1000 Genomes Project 0.00020; 1000 Genomes Project 30x 0.00031.
gnomAD v4.1: 44 of 1,614,154 alleles (0.0027%); highest among the groups gnomAD compares: South Asian, 0.046%; no homozygotes.

Submissions (2):

Ambry Genetics
Classification: Uncertain significance for Inborn genetic diseases. Last evaluated: 2024-05-14. Review status: criteria provided, single submitter. Criteria: Ambry Variant Classification Scheme 2023. Collection method: clinical testing. Allele origin: germline.

Labcorp Genetics (formerly Invitae), Labcorp
Classification: Uncertain significance for Primary ciliary dyskinesia 32. Last evaluated: 2022-06-11. Review status: criteria provided, single submitter. Criteria: Invitae Variant Classification Sherloc (09022015). Collection method: clinical testing. Allele origin: germline.
Comment: This variant has not been reported in the literature in individuals affected with RSPH3-related conditions. In summary, the available evidence is currently insufficient to determine the role of this variant in disease. Therefore, it has been classified as a Variant of Uncertain Significance. Algorithms developed to predict the effect of missense changes on protein structure and function are either unavailable or do not agree on the potential impact of this missense change (SIFT: "Deleterious"; PolyPhen-2: "Possibly Damaging"; Align-GVGD: "Class C0"). This variant is present in population databases (rs550698943, gnomAD 0.04%). This sequence change replaces leucine, which is neutral and non-polar, with phenylalanine, which is neutral and non-polar, at codon 409 of the RSPH3 protein (p.Leu409Phe).

NM_031924.8(RSPH3):c.799C>T (p.Leu267Phe)

Gene: RSPH3 (radial spoke head 3; minus strand). Cytogenetic location: 6q25.3.
Variant type: single nucleotide variant.
Coding change: c.799C>T on transcript NM_031924.8 (MANE Select); coding-DNA position 799, C replaced by T.
Protein change: p.Leu267Phe; replaces leucine 267 with phenylalanine.
Molecular consequence: missense variant. On other transcripts: non-coding transcript variant (1).
Genome position (GRCh38, 1-based): chr6:158,980,834, G>A on the plus strand (C>T on the coding strand, the complement: RSPH3 is on the minus strand). VCF-style: chr6-158980834-G-A. GRCh37 (hg19) VCF-style: chr6-159401866-G-A.
Other names: c.937C>T, p.Leu313Phe (NM_001346418.1); c.1225C>T (NM_031924.4); short protein forms L267F, L313F.
Identifiers: ClinVar variation 2158609 (VCV002158609.5), dbSNP rs550698943, ClinGen allele CA4075808.